The following is an entry in ClinVar:

ClinVar aggregate classification (germline): Uncertain significance (1 of 4 stars; one submission).

Conditions:
Hereditary cancer-predisposing syndrome. Also called: Tumor predisposition; Hereditary Cancer Syndrome; Hereditary neoplastic syndrome; Neoplastic Syndromes, Hereditary. Identifiers: Orphanet 140162, MedGen C0027672, MeSH D009386, MONDO:0015356.

Submission:

Ambry Genetics
Classification: Uncertain significance for Hereditary cancer-predisposing syndrome. Last evaluated: 2024-03-31. Review status: criteria provided, single submitter. Criteria: Ambry Variant Classification Scheme 2023. Collection method: clinical testing. Allele origin: germline.
Comment: The p.I609T variant (also known as c.1826T>C), located in coding exon 5 of the PALB2 gene, results from a T to C substitution at nucleotide position 1826. The isoleucine at codon 609 is replaced by threonine, an amino acid with similar properties. This amino acid position is conserved. In addition, this alteration is predicted to be tolerated by in silico analysis. Based on the available evidence, the clinical significance of this alteration remains unclear.

NM_024675.4(PALB2):c.1826T>C (p.Ile609Thr)

Gene: PALB2 (partner and localizer of BRCA2; minus strand). Cytogenetic location: 16p12.2.
Variant type: single nucleotide variant.
Coding change: c.1826T>C on transcript NM_024675.4 (MANE Select); coding-DNA position 1826, T replaced by C.
Protein change: p.Ile609Thr; replaces isoleucine 609 with threonine.
Molecular consequence: missense variant. On other transcripts: intron variant (1).
Genome position (GRCh38, 1-based): chr16:23,630,328, A>G on the plus strand (T>C on the coding strand, the complement: PALB2 is on the minus strand). VCF-style: chr16-23630328-A-G. GRCh37 (hg19) VCF-style: chr16-23641649-A-G.
Other names: c.1766T>C, p.Ile589Thr (NM_001407296.1); c.1826T>C, p.Ile609Thr (NM_001407297.1, NM_001407298.1, NM_001407299.1 and 3 more transcripts); c.941T>C, p.Ile314Thr (NM_001407304.1, NM_001407305.1, NM_001407306.1 and 5 more transcripts); c.38T>C, p.Ile13Thr (NM_001407312.1, NM_001407313.1); c.49-1053T>C (NM_001407314.1); short protein forms I314T, I13T, I609T, I589T.
Identifiers: ClinVar variation 3303984 (VCV003303984.1).